The following is an entry in ClinVar:

NM_007294.4(BRCA1):c.5019C>G (p.His1673Gln)

Gene: BRCA1 (BRCA1 DNA repair associated; minus strand). Cytogenetic location: 17q21.31.
Variant type: single nucleotide variant.
Coding change: c.5019C>G on transcript NM_007294.4 (MANE Select); coding-DNA position 5019, C replaced by G.
Protein change: p.His1673Gln; replaces histidine 1673 with glutamine.
Molecular consequence: missense variant. On other transcripts: non-coding transcript variant (1).
Genome position (GRCh38, 1-based): chr17:43,067,663, G>C on the plus strand (C>G on the coding strand, the complement: BRCA1 is on the minus strand). VCF-style: chr17-43067663-G-C. GRCh37 (hg19) VCF-style: chr17-41219680-G-C.
Other names: c.4806C>G, p.His1602Gln (NM_001407571.1, NM_001407904.1, NM_001407906.1 and 12 more transcripts); c.5085C>G, p.His1695Gln (NM_001407581.1, NM_001407582.1); c.5082C>G, p.His1694Gln (NM_001407583.1, NM_001407585.1, NM_001407587.1 and 1 more transcripts); c.5079C>G, p.His1693Gln (NM_001407590.1, NM_001407591.1); c.5019C>G, p.His1673Gln (NM_001407593.1, NM_001407594.1, NM_001407596.1 and 8 more transcripts); c.5016C>G, p.His1672Gln (NM_001407610.1, NM_001407611.1, NM_001407612.1 and 17 more transcripts); c.5013C>G, p.His1671Gln (NM_001407631.1, NM_001407632.1, NM_001407633.1 and 14 more transcripts); c.4941C>G, p.His1647Gln (NM_001407653.1, NM_001407654.1, NM_001407655.1); and 70 more; short protein forms H1626Q, H1673Q, H1694Q, H569Q, H1560Q, H1585Q, H1602Q, H1606Q.
Identifiers: ClinVar variation 865541 (VCV000865541.3), dbSNP rs2052178742, ClinGen allele CA10591477.

Conditions:
Breast-ovarian cancer, familial, susceptibility to, 1 (BROVCA1). Also called: BRCA1 Hereditary Breast and Ovarian Cancer; OVARIAN CANCER, SUSCEPTIBILITY TO. Identifiers: Orphanet 145, MedGen C2676676, MONDO:0011450, OMIM 604370. Disease mechanism: loss of function.

Submission:

Brotman Baty Institute, University of Washington
No classification provided (evidence only). Condition: Breast-ovarian cancer, familial 1. Review status: no classification provided. Collection method: in vitro. Allele origin: not applicable. Functional consequence: functionally_normal.
ClinVar note: "not provided" was previously submitted as the classification for the variant. However, the classification appeared to be based only on an observation of functional data so it was converted to no classification on 2025-07-30.